The following is an entry in ClinVar:

ClinVar aggregate classification (germline): Pathogenic. Review status: criteria provided, single submitter (1 of 4 stars). 2 submissions from 2 submitters: Pathogenic (1). 1 of the submissions does not count toward it. Last evaluated 2023-03-20.

Conditions:
Fanconi anemia (FA). Also called: Fanconi's anemia. Identifiers: Orphanet 84, MedGen C0015625, MeSH D005199, MONDO:0019391.
Fanconi anemia complementation group A (FANCA). Also called: Fanconi anemia, group A; FANCA-Related Fanconi Anemia. Identifiers: Orphanet 84, MedGen C3469521, MONDO:0009215, OMIM 227650.

Submissions (2):

Labcorp Genetics (formerly Invitae), Labcorp
Classification: Pathogenic for Fanconi anemia. Last evaluated: 2023-03-20. Review status: criteria provided, single submitter. Criteria: Invitae Variant Classification Sherloc (09022015). Collection method: clinical testing. Allele origin: germline.
Comment: This sequence change creates a premature translational stop signal (p.Gln1190*) in the FANCA gene. It is expected to result in an absent or disrupted protein product. Loss-of-function variants in FANCA are known to be pathogenic (PMID: 19367192). This variant is not present in population databases (gnomAD no frequency). This premature translational stop signal has been observed in individual(s) with clinical features of autosomal recessive FANCA-related conditions (PMID: 22778927). ClinVar contains an entry for this variant (Variation ID: 974160). For these reasons, this variant has been classified as Pathogenic.

Leiden Open Variation Database
Classification: Pathogenic for Fanconi anemia complementation group A. Last evaluated: 2020-02-28. Review status: no assertion criteria provided. Collection method: curation. Allele origin: germline. Affected: yes. Not counted in ClinVar's aggregate classification.
Comment: Curator: Arleen D. Auerbach. Submitter to LOVD: Johan de Winter.

Literature cited by the submitters: PubMed 19367192 (cited by Labcorp Genetics (formerly Invitae), Labcorp); PubMed 22778927 (cited by Labcorp Genetics (formerly Invitae), Labcorp and Leiden Open Variation Database).

NM_000135.4(FANCA):c.3568C>T (p.Gln1190Ter)

Gene: FANCA (FA complementation group A; minus strand). Cytogenetic location: 16q24.3.
Variant type: single nucleotide variant.
Coding change: c.3568C>T on transcript NM_000135.4 (MANE Select); coding-DNA position 3568, C replaced by T.
Protein change: p.Gln1190Ter; replaces glutamine 1190 with a stop codon.
Molecular consequence: nonsense.
Genome position (GRCh38, 1-based): chr16:89,745,017, G>A on the plus strand (C>T on the coding strand, the complement: FANCA is on the minus strand). VCF-style: chr16-89745017-G-A. GRCh37 (hg19) VCF-style: chr16-89811425-G-A.
Other names: c.3568C>T, p.Gln1190Ter (NM_001286167.3); short protein forms Q1190*.
Identifiers: ClinVar variation 974160 (VCV000974160.4), dbSNP rs2062210802, ClinGen allele CA397485686.